The following is an entry in ClinVar:

NM_005026.5(PIK3CD):c.752A>G (p.Tyr251Cys)

Gene: PIK3CD (phosphatidylinositol-4,5-bisphosphate 3-kinase catalytic subunit delta; plus strand). Cytogenetic location: 1p36.22.
Variant type: single nucleotide variant.
Coding change: c.752A>G on transcript NM_005026.5 (MANE Select); coding-DNA position 752, A replaced by G.
Protein change: p.Tyr251Cys; replaces tyrosine 251 with cysteine.
Molecular consequence: missense variant.
Genome position (GRCh38, 1-based): chr1:9,716,591, A>G. VCF-style: chr1-9716591-A-G. GRCh37 (hg19) VCF-style: chr1-9776649-A-G.
Other names: c.752A>G, p.Tyr251Cys (NM_001350234.2, NM_001350235.1, NM_001437546.1 and 3 more transcripts); short protein forms Y251C.
Identifiers: ClinVar variation 4707162 (VCV004707162.1).

ClinVar aggregate classification (germline): Uncertain significance (1 of 4 stars; one submission).

Conditions:
Immunodeficiency 14 (IMD14A). Also called: p110-DELTA-ACTIVATING MUTATION CAUSING SENESCENT T CELLS, LYMPHADENOPATHY, AND IMMUNODEFICIENCY; ACTIVATED PI3K-DELTA SYNDROME 1; Activated PI3K Delta Syndrome Type 1 (APDS1); IMMUNODEFICIENCY 14A WITH LYMPHOPROLIFERATION, AUTOSOMAL DOMINANT. Identifiers: Orphanet 397596, Orphanet 693661, MedGen C5907821, MONDO:0014222, OMIM 615513.

gnomAD v4.1: 1 of 1,574,144 alleles (0.000064%); highest among the groups gnomAD compares: Non-Finnish European, 0.000086%; no homozygotes.

Submission:

Labcorp Genetics (formerly Invitae), Labcorp
Classification: Uncertain significance for Activated PI3K-delta syndrome. Last evaluated: 2025-11-11. Review status: criteria provided, single submitter. Criteria: Invitae Variant Classification Sherloc (09022015). Collection method: clinical testing. Allele origin: germline.
Comment: This sequence change replaces tyrosine, which is neutral and polar, with cysteine, which is neutral and slightly polar, at codon 251 of the PIK3CD protein (p.Tyr251Cys). This variant is not present in population databases (gnomAD no frequency). This variant has not been reported in the literature in individuals affected with PIK3CD-related conditions. Invitae Evidence Modeling of protein sequence and biophysical properties (such as structural, functional, and spatial information, amino acid conservation, physicochemical variation, residue mobility, and thermodynamic stability) indicates that this missense variant is not expected to disrupt PIK3CD protein function with a negative predictive value of 80%. In summary, the available evidence is currently insufficient to determine the role of this variant in disease. Therefore, it has been classified as a Variant of Uncertain Significance.